The following is an entry in ClinVar:

NM_203290.4(POLR1C):c.890_891del (p.Val297fs)

Gene: POLR1C (RNA polymerase I and III subunit C; plus strand). Cytogenetic location: 6p21.1.
Variant type: Microsatellite.
Coding change: c.890_891del on transcript NM_203290.4 (MANE Select); coding-DNA positions 890 to 891, 2 bases deleted (TG; older notation c.890_891delTG).
Protein change: p.Val297fs; shifts the reading frame from valine 297.
Molecular consequence: frameshift variant.
Genome position (GRCh38, 1-based): chr6:43,521,016-43,521,017, TG deleted; deleting any 2 consecutive bases within chr6:43,521,014-43,521,017 gives the same sequence; the c. name uses the placement nearest the transcript's 3' end. VCF-style (leftmost placement, unchanged base first): chr6-43521013-TTG-T. GRCh37 (hg19) VCF-style: chr6-43488751-TTG-T.
Other names: c.890_891del, p.Val297fs (NM_001318876.2, NM_001363658.2); short protein forms V297fs.
Identifiers: ClinVar variation 5000234 (VCV005000234.1).
Genomic context (GRCh38, chr6:43,521,013, plus strand): 5'-CCAACCCCCGGCTGGATACCTTCAGCAGAGAAATCTTCCGGAATGAGAAGCTAAAGAAGG[TTG>T]TGAGGCTTGCCCGGGTTCGAGATCATTATATCTGTGAGTATGAAGTGGTGAGATGAGTGG-3'

ClinVar aggregate classification (germline): Likely pathogenic (1 of 4 stars; one submission).

Conditions:
POLR1C-related disorder. Also called: POLR1C-related disorders; POLR1C-related condition. Identifiers: MedGen CN239394, MONDO:0700278.

Submission:

PreventionGenetics, part of Exact Sciences
Classification: Likely pathogenic for POLR1C-related condition. Last evaluated: 2026-04-27. Review status: criteria provided, single submitter. Criteria: ACMG Guidelines, 2015. Collection method: clinical testing. Allele origin: germline.
Comment: The POLR1C c.890_891delTG variant is predicted to result in a frameshift and premature protein termination (p.Val297Glufs*14). To our knowledge, this variant has not been reported in the literature or in a large population database (gnomAD), indicating this variant is rare. Frameshift variants in POLR1C are expected to be pathogenic. This variant is interpreted as likely pathogenic.